The following is an entry in ClinVar:

ClinVar aggregate classification (germline): Pathogenic. Review status: reviewed by expert panel (3 of 4 stars). 14 submissions from 14 submitters: Pathogenic (1). 13 of the submissions do not count toward it. Last evaluated 2018-08-10.

Conditions:
Phenylketonuria (PKU). Also called: FOLLING DISEASE; Phenylketonurias; OLIGOPHRENIA PHENYLPYRUVICA; Phenylketonuria (PKU). Identifiers: Orphanet 716, MedGen C0031485, MONDO:0009861, OMIM 261600. Disease mechanism: loss of function.

Allele frequency attached by ClinVar (database versions not stated): gnomAD exomes below 0.00001; TOPMed below 0.00001.

Submissions (14):

ClinGen PAH Variant Curation Expert Panel
Classification: Pathogenic for Phenylketonuria. Last evaluated: 2018-08-10. Review status: reviewed by expert panel. Criteria: ClinGen PAH ACMG Specifications v1. Collection method: curation. Allele origin: germline. Inheritance: Autosomal recessive inheritance.
Comment: PAH-specific ACMG/AMP criteria applied: PVS1: Frameshift variant; PM2: Absent from ExAC, gnomAD, 1000G, ESP; PP4: Detected in a patient with Classical PKU. (PMID:8659548). In summary this variant meets criteria to be classified as pathogenic for phenylketonuria in an autosomal recessive manner based on the ACMG/AMP criteria applied as specified by the PAH Expert Panel: (PVS1, PM2, PP4).

Natera, Inc.
Classification: Pathogenic for Phenylketonuria. Last evaluated: 2025-10-30. Review status: criteria provided, single submitter. Criteria: Natera Variant Classification Schema (03/2026). Collection method: clinical testing. Allele origin: germline. Not counted in ClinVar's aggregate classification.
Comment: The c.1089delG variant in PAH is a frameshift variant predicted to shift the reading frame beginning at codon 363 and leads to a stop codon 37 codons downstream. This variant is expected to result in nonsense mediated decay, truncation, or a dysfunctional protein product. This variant is rare in the general population with a frequency below the threshold expected for the associated phenotype(s). This variant has been observed in one or more individuals affected with the associated recessive disease, as either homozygous or compound heterozygous with a second variant (PMID: 20920871). Given the available evidence, this variant is classified as Pathogenic.

Labcorp Genetics (formerly Invitae), Labcorp
Classification: Pathogenic for Phenylketonuria. Last evaluated: 2025-09-10. Review status: criteria provided, single submitter. Criteria: Invitae Variant Classification Sherloc (09022015). Collection method: clinical testing. Allele origin: germline. Not counted in ClinVar's aggregate classification.
Comment: This sequence change creates a premature translational stop signal (p.Lys363Asnfs*37) in the PAH gene. It is expected to result in an absent or disrupted protein product. Loss-of-function variants in PAH are known to be pathogenic (PMID: 1301187, 9634518). This variant is not present in population databases (gnomAD no frequency). This premature translational stop signal has been observed in individuals with phenylketonuria (PMID: 8889590, 20920871, 21890392, 24048906). ClinVar contains an entry for this variant (Variation ID: 102518). For these reasons, this variant has been classified as Pathogenic.

Quest Diagnostics Nichols Institute San Juan Capistrano
Classification: Pathogenic. Last evaluated: 2025-07-31. Review status: criteria provided, single submitter. Criteria: Quest Diagnostics criteria. Collection method: clinical testing. Allele origin: unknown. Not counted in ClinVar's aggregate classification.
Comment: The PAH c.1089del (p.Lys363Asnfs*37) variant alters the translational reading frame of the PAH mRNA and causes the premature termination of PAH protein synthesis. This variant has been reported in the published literature in homozygous or compound heterozygous individuals affected with Hyperphenylalaninemia or Phenylketonuria (PMIDs: 8659548 (1996), 20920871 (2011), 21147011 (2011), 21890392 (2011), 22513348 (2012), 24048906 (2014), 26322415 (2015), 26503515 (2015), 26481238 (2016), 30389586 (2019), 31332730 (2019), 32905092 (2021), 33625639 (2021), 37189584 (2023). This variant has not been reported in large, multi-ethnic general populations (Genome Aggregation Database). Based on the available information, this variant is classified as pathogenic.

Department of Human Genetics, Hannover Medical School
Classification: Pathogenic for Phenylketonuria. Last evaluated: 2024-02-29. Review status: criteria provided, single submitter. Criteria: ACMG Guidelines, 2015. Collection method: clinical testing. Allele origin: germline. Affected: yes. Not counted in ClinVar's aggregate classification.

CeGaT Center for Human Genetics Tuebingen
Classification: Pathogenic. Last evaluated: 2023-06-01. Review status: criteria provided, single submitter. Criteria: CeGaT Center For Human Genetics Tuebingen Variant Classification Criteria Version 2. Collection method: clinical testing. Allele origin: germline. Affected: yes. Observed: 2 variant alleles. Not counted in ClinVar's aggregate classification.
Comment: PAH: PVS1, PM2, PM3:Supporting, PP4

Laboratory for Molecular Medicine, Mass General Brigham Personalized Medicine
Classification: Pathogenic for Phenylketonuria. Last evaluated: 2022-11-03. Review status: criteria provided, single submitter. Criteria: ACMG Guidelines, 2015. Collection method: clinical testing. Allele origin: germline. Not counted in ClinVar's aggregate classification.
Comment: The p.Lys363AsnfsX37 in PAH has been reported in at least 12 homozygous and 1 compound heterozygous individuals affected with Hyperphenylalaninemia or Phenylketonuria (selected publications: Carducci 2020 PMID: 32905092, Zare-Karizi 2011 PMID: 20920871, Kostandyan 2011 PMID: 21890392, Alibakhshi 2014 PMID: 24048906). This variant was classified as Pathogenic on August 10, 2018 by the ClinGen-approved ClinGen PAH Variant Curation Expert Panel (Variation ID 102518) and was absent from large population studies. This variant is predicted to cause a frameshift, which alters the protein’s amino acid sequence beginning at position 363 and leads to a premature termination codon 37 amino acids downstream. This alteration is then predicted to lead to a truncated or absent protein. Loss of function of the PAH gene is an established disease mechanism in autosomal recessive Phenylketonuria. In summary, this variant meets criteria to be classified as pathogenic for autosomal recessive hyperphenylalanemia/phenylkenonuria. ACMG/AMP Criteria applied: PM2_Supporting, PVS1, PM3_Strong.

GeneDx
Classification: Pathogenic. Last evaluated: 2022-02-17. Review status: criteria provided, single submitter. Criteria: GeneDx Variant Classification Process June 2021. Collection method: clinical testing. Allele origin: germline. Affected: yes. Not counted in ClinVar's aggregate classification.
Comment: Frameshift variant predicted to result in protein truncation or nonsense mediated decay in a gene for which loss-of-function is a known mechanism of disease; Not observed at significant frequency in large population cohorts (gnomAD); This variant is associated with the following publications: (PMID: 9792407, 17096675, 22513348, 8659548, 20920871, 21147011, 9781015, 26481238, 18299955, 28676969, 29499199, 32905092, 31589614, 32778825, 24048906)

Fulgent Genetics
Classification: Pathogenic for Phenylketonuria. Last evaluated: 2021-11-05. Review status: criteria provided, single submitter. Criteria: ACMG Guidelines, 2015. Collection method: clinical testing. Allele origin: unknown. Not counted in ClinVar's aggregate classification.

Women's Health and Genetics/Laboratory Corporation of America, LabCorp
Classification: Pathogenic for Phenylketonuria. Last evaluated: 2016-10-14. Review status: criteria provided, single submitter. Criteria: LabCorp Variant Classification Summary - May 2015. Collection method: clinical testing. Allele origin: germline. Not counted in ClinVar's aggregate classification.
Comment: Variant summary: The PAH c.1089delG (p.Lys363Glnfs) variant results in a premature termination codon, predicted to cause a truncated or absent PAH protein due to nonsense mediated decay, which are commonly known mechanisms for disease. One in silico tool predicts a damaging outcome for this variant. This variant has been reported in numerous PKU and HPA patients and is absent in 121252 control chromosomes. In addition, multiple clinical diagnostic laboratories/reputable databases classified this variant as likely pathogenic. Taken together, this variant is classified as pathogenic.

Institute of Human Genetics, Clinical Exome/Genome Diagnostics Group, University Hospital Bonn
Classification: Pathogenic for Phenylketonuria. Review status: criteria provided, single submitter. Criteria: ACMG Guidelines, 2015. Collection method: clinical testing. Allele origin: germline. Affected: yes. Not counted in ClinVar's aggregate classification.

Kariminejad - Najmabadi Pathology & Genetics Center
Classification: Pathogenic for Phenylketonuria. Review status: criteria provided, single submitter. Criteria: ACMG Guidelines, 2015. Collection method: clinical testing. Allele origin: germline. Affected: no. Not counted in ClinVar's aggregate classification.

Counsyl
Classification: Likely pathogenic for Phenylketonuria. Last evaluated: 2014-10-14. Review status: no assertion criteria provided. Collection method: literature only. Allele origin: unknown. Inheritance: Autosomal recessive inheritance. Not counted in ClinVar's aggregate classification.

DeBelle Laboratory for Biochemical Genetics, MUHC/MCH RESEARCH INSTITUTE
No classification provided. Review status: no classification provided. Collection method: not provided. Allele origin: not provided. Not counted in ClinVar's aggregate classification.

Literature cited by the submitters: PubMed 8659548 (cited by 4 submitters); PubMed 20920871 (cited by 4 submitters); PubMed 1301187 (cited by Labcorp Genetics (formerly Invitae), Labcorp); PubMed 9634518 (cited by Labcorp Genetics (formerly Invitae), Labcorp); PubMed 8889590 (cited by Labcorp Genetics (formerly Invitae), Labcorp and Quest Diagnostics Nichols Institute San Juan Capistrano); PubMed 21890392 (cited by Labcorp Genetics (formerly Invitae), Labcorp and Quest Diagnostics Nichols Institute San Juan Capistrano); PubMed 24048906 (cited by 3 submitters); PubMed 22513348 (cited by Quest Diagnostics Nichols Institute San Juan Capistrano and Counsyl); PubMed 21147011 (cited by 3 submitters); PubMed 17096675 (cited by Quest Diagnostics Nichols Institute San Juan Capistrano and Counsyl); PubMed 37189584 (cited by Quest Diagnostics Nichols Institute San Juan Capistrano); PubMed 36646061 (cited by Quest Diagnostics Nichols Institute San Juan Capistrano); PubMed 32905092 (cited by Quest Diagnostics Nichols Institute San Juan Capistrano); PubMed 32778825 (cited by Quest Diagnostics Nichols Institute San Juan Capistrano); PubMed 33625639 (cited by Quest Diagnostics Nichols Institute San Juan Capistrano); PubMed 26322415 (cited by Quest Diagnostics Nichols Institute San Juan Capistrano); PubMed 30389586 (cited by Quest Diagnostics Nichols Institute San Juan Capistrano); PubMed 31332730 (cited by Quest Diagnostics Nichols Institute San Juan Capistrano); PubMed 26503515 (cited by Quest Diagnostics Nichols Institute San Juan Capistrano); PubMed 19394257 (cited by Quest Diagnostics Nichols Institute San Juan Capistrano and Counsyl); PubMed 8556304 (cited by Quest Diagnostics Nichols Institute San Juan Capistrano); PubMed 28676969 (cited by Quest Diagnostics Nichols Institute San Juan Capistrano); PubMed 26481238 (cited by Quest Diagnostics Nichols Institute San Juan Capistrano); PubMed 9781015 (cited by Counsyl).

NM_000277.3(PAH):c.1089del (p.Lys363fs)

Gene: PAH (phenylalanine hydroxylase; minus strand). Cytogenetic location: 12q23.2.
Variant type: Deletion.
Coding change: c.1089del on transcript NM_000277.3 (MANE Select); coding-DNA position 1089, one base deleted (G; older notation c.1089delG).
Protein change: p.Lys363fs; shifts the reading frame from lysine 363.
Molecular consequence: frameshift variant.
Genome position (GRCh38, 1-based): chr12:102,843,756, C deleted on the plus strand (G on the coding strand, the reverse complement: PAH is on the minus strand). VCF-style (leftmost placement, unchanged base first): chr12-102843755-GC-G. GRCh37 (hg19) VCF-style: chr12-103237533-GC-G.
Other names: NM_000277.2(PAH):c.1089delG; c.1089del, p.Lys363fs (NM_001354304.2); c.1089delG (NM_000277.2, NM_000277.3); short protein forms K363fs.
Identifiers: ClinVar variation 102518 (VCV000102518.60), dbSNP rs5030654, ClinGen allele CA229336.